The following is an entry in ClinVar:

ClinVar aggregate classification (germline): Conflicting classifications of pathogenicity. Review status: criteria provided, conflicting classifications (1 of 4 stars). 12 submissions from 11 submitters: Likely pathogenic (3); Uncertain significance (2); Likely benign (5). 2 of the submissions do not count toward it. Last evaluated 2026-02-03.

Conditions:
UNC80-related disorder. Also called: UNC80-related condition.
Hypotonia, infantile, with psychomotor retardation and characteristic facies 2 (IHPRF2). Also called: UNC80 Deficiency. Identifiers: Orphanet 371364, Orphanet 700333, MedGen C4225203, MONDO:0014777, OMIM 616801.
Inborn genetic diseases. Identifiers: MedGen C0950123, MeSH D030342.
Neurodevelopmental delay. Identifiers: MedGen C4022738, HP:0012758.
Intellectual disability. Also called: Intellectual functioning disability; intellectual disabilities; Intellectual developmental disorder. Identifiers: MedGen C3714756, MeSH D008607, MONDO:0001071, HP:0001249.

Allele frequency attached by ClinVar (database versions not stated): 1000 Genomes Project 0.00040; ExAC 0.00106; gnomAD 0.00163 and 0.00153; gnomAD exomes 0.00141 and 0.00267; TOPMed 0.00153; 1000 Genomes Project 30x 0.00062; ESP Exome Variant Server 0.00197.
gnomAD v4.1: 3,899 of 1,552,152 alleles (0.25%); highest among the groups gnomAD compares: Non-Finnish European, 0.32%; 5 homozygotes.

Submissions (12):

Labcorp Genetics (formerly Invitae), Labcorp
Classification: Likely benign. Last evaluated: 2026-02-03. Review status: criteria provided, single submitter. Criteria: Invitae Variant Classification Sherloc (09022015). Collection method: clinical testing. Allele origin: germline.

ARUP Laboratories, Molecular Genetics and Genomics, ARUP Laboratories
Classification: Likely benign for Hypotonia, infantile, with psychomotor retardation and characteristic facies 2. Last evaluated: 2025-02-20. Review status: criteria provided, single submitter. Criteria: ARUP Molecular Germline Variant Investigation Process 2024. Collection method: clinical testing. Allele origin: germline.

Women's Health and Genetics/Laboratory Corporation of America, LabCorp
Classification: Likely benign. Last evaluated: 2024-01-03. Review status: criteria provided, single submitter. Criteria: LabCorp Variant Classification Summary - May 2015. Collection method: clinical testing. Allele origin: germline.
Comment: Variant summary: UNC80 c.1806G>C (p.Gln602His) results in a non-conservative amino acid change in the encoded protein sequence. Three of four in-silico tools predict a benign effect of the variant on protein function. The variant allele was found at a frequency of 0.0014 in 158532 control chromosomes in the gnomAD database, including 1 homozygotes. c.1806G>C has been reported in the literature in individuals with neurodevelopmental disorders or unaffected individuals. These report(s) do not provide unequivocal conclusions about association of the variant with Infantile Hypotonia With Psychomotor Retardation And Characteristic Facies 2. To our knowledge, no experimental evidence demonstrating an impact on protein function has been reported. The following publications have been ascertained in the context of this evaluation (PMID: 31589614, 29158550). Eight submitters have cited clinical-significance assessments for this variant to ClinVar after 2014. Multiple submitters reported the variant with conflicting assessments. Based on the evidence outlined above, the variant was classified as likely benign.

Victorian Clinical Genetics Services, Murdoch Childrens Research Institute
Classification: Likely benign for Hypotonia, infantile, with psychomotor retardation and characteristic facies 2. Last evaluated: 2022-09-02. Review status: criteria provided, single submitter. Criteria: ACMG Guidelines, 2015. Collection method: clinical testing. Allele origin: germline. Inheritance: Autosomal recessive inheritance.
Comment: A heterozygous missense variant, NM_032504.1(UNC80):c.1806G>C, has been identified in exon 12 of 64 of the UNC80 gene. The variant is predicted to result in a minor amino acid change from glutamine to histidine at position 602 of the protein (NP_115893.1(UNC80):p.(Gln602His)). The glutamine residue at this position has high conservation (100 vertebrates, UCSC), but is not located within a well established functional domain. In silico predictions of pathogenicity for this variant are conflicting (Polyphen, SIFT, CADD, Mutation Taster). The variant is present in the gnomAD database at a frequency of 0.14% (271 heterozygotes, 1 homozygote). The variant has been previously described as likely pathogenic (ClinVar, Decipher) and also VUS (EGL Genetics). Based on the information available at the time of curation, this variant has been classified as LIKELY BENIGN.

Ambry Genetics
Classification: Likely benign for Inborn genetic diseases. Last evaluated: 2021-03-25. Review status: criteria provided, single submitter. Criteria: Ambry Variant Classification Scheme 2023. Collection method: clinical testing. Allele origin: germline.

Diagnostic Laboratory, Strasbourg University Hospital
Classification: Likely pathogenic for Intellectual disability. Last evaluated: 2020-09-10. Review status: criteria provided, single submitter. Criteria: ACMG Guidelines, 2015. Collection method: clinical testing. Allele origin: unknown. Affected: yes. Observed: 1 heterozygote.

Revvity Omics, Revvity
Classification: Uncertain significance for Hypotonia, infantile, with psychomotor retardation and characteristic facies 2. Last evaluated: 2019-08-23. Review status: criteria provided, single submitter. Criteria: ACMG Guidelines, 2015. Collection method: clinical testing. Allele origin: germline.

Mendelics
Classification: Uncertain significance for Hypotonia, infantile, with psychomotor retardation and characteristic facies 2. Last evaluated: 2019-05-28. Review status: criteria provided, single submitter. Criteria: Mendelics Assertion Criteria 2017. Collection method: clinical testing. Allele origin: unknown.

HudsonAlpha Institute for Biotechnology
Classification: Likely pathogenic for Hypotonia, infantile, with psychomotor retardation and characteristic facies 2. Last evaluated: 2016-10-13. Review status: criteria provided, single submitter. Criteria: HA_assertions_20161101. Collection method: research. Allele origin: paternal. Affected: yes. Observed: 1 variant allele. Study: CSER-HudsonAlpha.

Centre de Biologie Pathologie Génétique, Centre Hospitalier Universitaire de Lille
Classification: Likely pathogenic for Neurodevelopmental delay. Review status: criteria provided, single submitter. Criteria: ACMG Guidelines, 2015. Collection method: clinical testing. Allele origin: unknown. Affected: yes.

PreventionGenetics, part of Exact Sciences
Classification: Likely benign for UNC80-related condition. Last evaluated: 2021-01-18. Review status: no assertion criteria provided. Collection method: clinical testing. Allele origin: germline. Not counted in ClinVar's aggregate classification.
Comment: This variant is classified as likely benign based on ACMG/AMP sequence variant interpretation guidelines (Richards et al. 2015 PMID: 25741868, with internal and published modifications).

Centre de Biologie Pathologie Génétique, Centre Hospitalier Universitaire de Lille
Classification: Uncertain significance for Intellectual disability. Last evaluated: 2019-01-01. Review status: no assertion criteria provided. Collection method: clinical testing. Allele origin: unknown. Affected: yes. Not counted in ClinVar's aggregate classification.

Literature cited by the submitters: PubMed 31589614 (cited by Women's Health and Genetics/Laboratory Corporation of America, LabCorp); PubMed 29158550 (cited by Women's Health and Genetics/Laboratory Corporation of America, LabCorp).

NM_001371986.1(UNC80):c.1806G>C (p.Gln602His)

Gene: UNC80 (unc-80 subunit of NALCN channel complex; plus strand). Cytogenetic location: 2q34.
Variant type: single nucleotide variant.
Coding change: c.1806G>C on transcript NM_001371986.1 (MANE Select); coding-DNA position 1806, G replaced by C.
Protein change: p.Gln602His; replaces glutamine 602 with histidine.
Molecular consequence: missense variant.
Genome position (GRCh38, 1-based): chr2:209,819,105, G>C. VCF-style: chr2-209819105-G-C. GRCh37 (hg19) VCF-style: chr2-210683829-G-C.
Other names: c.1806G>C, p.Gln602His (NM_032504.2, NM_182587.4); short protein forms Q602H.
Identifiers: ClinVar variation 268207 (VCV000268207.28), dbSNP rs200473652, ClinGen allele CA2082971.